The following is an entry in ClinVar:

NM_000051.4(ATM):c.365A>G (p.Asn122Ser)

Gene: ATM (ATM serine/threonine kinase; plus strand). Cytogenetic location: 11q22.3.
Variant type: single nucleotide variant.
Coding change: c.365A>G on transcript NM_000051.4 (MANE Select); coding-DNA position 365, A replaced by G.
Protein change: p.Asn122Ser; replaces asparagine 122 with serine.
Molecular consequence: missense variant.
Genome position (GRCh38, 1-based): chr11:108,235,703, A>G. VCF-style: chr11-108235703-A-G. GRCh37 (hg19) VCF-style: chr11-108106430-A-G.
Other names: c.365A>G (NM_000051.3); c.365A>G, p.Asn122Ser (NM_001351834.2); short protein forms N122S.
Identifiers: ClinVar variation 1488578 (VCV001488578.11), dbSNP rs1060501596, ClinGen allele CA382524705.

ClinVar aggregate classification (germline): Conflicting classifications of pathogenicity. Review status: criteria provided, conflicting classifications (1 of 4 stars). 3 submissions from 3 submitters: Uncertain significance (2); Likely benign (1). Last evaluated 2024-09-09.

Conditions:
Ataxia-telangiectasia syndrome (AT). Also called: LOUIS-BAR SYNDROME; Ataxia-telangiectasia; Cerebello-oculocutaneous telangiectasia; Immunodeficiency with ataxia telangiectasia; ATAXIA-TELANGIECTASIA, COMPLEMENTATION GROUP A; ATAXIA-TELANGIECTASIA, FRESNO VARIANT. Identifiers: Orphanet 100, MedGen C0004135, MONDO:0008840, OMIM 208900.
Hereditary cancer-predisposing syndrome. Also called: Neoplastic Syndromes, Hereditary; Tumor predisposition; Hereditary neoplastic syndrome; Hereditary Cancer Syndrome. Identifiers: Orphanet 140162, MedGen C0027672, MeSH D009386, MONDO:0015356.

Allele frequency attached by ClinVar (database versions not stated): gnomAD exomes below 0.00001.
gnomAD v4.1: 1 of 1,612,212 alleles (0.000062%); highest among the groups gnomAD compares: Non-Finnish European, 0.000085%; no homozygotes.

Submissions (3):

Labcorp Genetics (formerly Invitae), Labcorp
Classification: Uncertain significance for Ataxia-telangiectasia syndrome. Last evaluated: 2024-09-09. Review status: criteria provided, single submitter. Criteria: Invitae Variant Classification Sherloc (09022015). Collection method: clinical testing. Allele origin: germline.
Comment: This sequence change replaces asparagine, which is neutral and polar, with serine, which is neutral and polar, at codon 122 of the ATM protein (p.Asn122Ser). This variant is not present in population databases (gnomAD no frequency). This variant has not been reported in the literature in individuals affected with ATM-related conditions. ClinVar contains an entry for this variant (Variation ID: 1488578). An algorithm developed to predict the effect of missense changes on protein structure and function (PolyPhen-2) suggests that this variant is likely to be tolerated. In summary, the available evidence is currently insufficient to determine the role of this variant in disease. Therefore, it has been classified as a Variant of Uncertain Significance.

Ambry Genetics
Classification: Likely benign for Hereditary cancer-predisposing syndrome. Last evaluated: 2023-12-04. Review status: criteria provided, single submitter. Criteria: Ambry Variant Classification Scheme 2023. Collection method: clinical testing. Allele origin: germline.

Revvity Omics, Revvity
Classification: Uncertain significance for Ataxia-telangiectasia syndrome. Last evaluated: 2020-03-11. Review status: criteria provided, single submitter. Criteria: ACMG Guidelines, 2015. Collection method: clinical testing. Allele origin: germline.